The following is an entry in ClinVar:

NM_024675.4(PALB2):c.2515-7T>G

Gene: PALB2 (partner and localizer of BRCA2; minus strand). Cytogenetic location: 16p12.2.
Variant type: single nucleotide variant.
Coding change: c.2515-7T>G on transcript NM_024675.4 (MANE Select); 7 bases into the intron before coding-DNA position 2515, T replaced by G.
Molecular consequence: intron variant.
Genome position (GRCh38, 1-based): chr16:23,629,282, A>C on the plus strand (T>G on the coding strand, the complement: PALB2 is on the minus strand). VCF-style: chr16-23629282-A-C. GRCh37 (hg19) VCF-style: chr16-23640603-A-C.
Identifiers: ClinVar variation 492187 (VCV000492187.9), dbSNP rs1555460231, ClinGen allele CA658683922.

ClinVar aggregate classification (germline): Conflicting classifications of pathogenicity. Review status: criteria provided, conflicting classifications (1 of 4 stars). 3 submissions from 3 submitters: Uncertain significance (2); Likely benign (1). Last evaluated 2024-02-13.

Conditions:
Familial cancer of breast. Also called: Hereditary breast cancer; hereditary breast carcinoma; BREAST CANCER, FAMILIAL. Identifiers: Orphanet 227535, MedGen C0346153, MONDO:0016419, OMIM 114480. Disease mechanism: loss of function.
Hereditary cancer-predisposing syndrome. Also called: Hereditary neoplastic syndrome; Tumor predisposition; Hereditary Cancer Syndrome; Neoplastic Syndromes, Hereditary. Identifiers: Orphanet 140162, MedGen C0027672, MeSH D009386, MONDO:0015356.

Submissions (3):

Ambry Genetics
Classification: Uncertain significance for Hereditary cancer-predisposing syndrome. Last evaluated: 2024-02-13. Review status: criteria provided, single submitter. Criteria: Ambry Variant Classification Scheme 2023. Collection method: clinical testing. Allele origin: germline.
Comment: The c.2515-7T>G intronic variant results from a T to G substitution 7 nucleotides upstream from coding exon 6 in the PALB2 gene. This nucleotide position is well conserved in available vertebrate species. In silico splice site analysis predicts that this alteration may weaken the native splice acceptor site; however, direct evidence is insufficient at this time (Ambry internal data). Based on the available evidence, the clinical significance of this alteration remains unclear.

Labcorp Genetics (formerly Invitae), Labcorp
Classification: Uncertain significance for Familial cancer of breast. Last evaluated: 2022-01-12. Review status: criteria provided, single submitter. Criteria: Invitae Variant Classification Sherloc (09022015). Collection method: clinical testing. Allele origin: germline.
Comment: In summary, the available evidence is currently insufficient to determine the role of this variant in disease. Therefore, it has been classified as a Variant of Uncertain Significance. Algorithms developed to predict the effect of sequence changes on RNA splicing suggest that this variant may disrupt the consensus splice site. ClinVar contains an entry for this variant (Variation ID: 492187). This variant has not been reported in the literature in individuals affected with PALB2-related conditions. This variant is not present in population databases (gnomAD no frequency). This sequence change falls in intron 5 of the PALB2 gene. It does not directly change the encoded amino acid sequence of the PALB2 protein.

Color Diagnostics, LLC DBA Color Health
Classification: Likely benign for Hereditary cancer-predisposing syndrome. Last evaluated: 2016-06-24. Review status: criteria provided, single submitter. Criteria: ACMG Guidelines, 2015. Collection method: clinical testing. Allele origin: germline.